The following is an entry in ClinVar:

NM_000163.5(GHR):c.1646A>G (p.His549Arg)

Gene: GHR (growth hormone receptor; plus strand). Cytogenetic location: 5p12.
Variant type: single nucleotide variant.
Coding change: c.1646A>G on transcript NM_000163.5 (MANE Select); coding-DNA position 1646, A replaced by G.
Protein change: p.His549Arg; replaces histidine 549 with arginine.
Molecular consequence: missense variant. On other transcripts: 3 prime UTR variant (1).
Genome position (GRCh38, 1-based): chr5:42,719,153, A>G. VCF-style: chr5-42719153-A-G. GRCh37 (hg19) VCF-style: chr5-42719255-A-G.
Other names: c.1667A>G, p.His556Arg (NM_001242399.2); c.1646A>G, p.His549Arg (NM_001242400.2, NM_001242401.4, NM_001242402.2 and 4 more transcripts); c.1580A>G, p.His527Arg (NM_001242460.2); c.*688A>G (NM_001242462.1); short protein forms H527R, H549R, H556R.
Identifiers: ClinVar variation 4810164 (VCV004810164.1).

ClinVar aggregate classification (germline): Uncertain significance (1 of 4 stars; one submission).

Submission:

Labcorp Genetics (formerly Invitae), Labcorp
Classification: Uncertain significance. Last evaluated: 2025-04-11. Review status: criteria provided, single submitter. Criteria: Invitae Variant Classification Sherloc (09022015). Collection method: clinical testing. Allele origin: germline.
Comment: This sequence change replaces histidine, which is basic and polar, with arginine, which is basic and polar, at codon 549 of the GHR protein (p.His549Arg). This variant is not present in population databases (gnomAD no frequency). This variant has not been reported in the literature in individuals affected with GHR-related conditions. Invitae Evidence Modeling of protein sequence and biophysical properties (such as structural, functional, and spatial information, amino acid conservation, physicochemical variation, residue mobility, and thermodynamic stability) indicates that this missense variant is not expected to disrupt GHR protein function with a negative predictive value of 95%. In summary, the available evidence is currently insufficient to determine the role of this variant in disease. Therefore, it has been classified as a Variant of Uncertain Significance.